The following is an entry in ClinVar:

NM_000179.3(MSH6):c.2922G>A (p.Arg974=)

Gene: MSH6 (mutS homolog 6; plus strand). Cytogenetic location: 2p16.3.
Variant type: single nucleotide variant.
Coding change: c.2922G>A on transcript NM_000179.3 (MANE Select); coding-DNA position 2922, G replaced by A.
Protein change: p.Arg974=; no amino-acid change (arginine 974 retained).
Molecular consequence: synonymous variant.
Genome position (GRCh38, 1-based): chr2:47,800,905, G>A. VCF-style: chr2-47800905-G-A. GRCh37 (hg19) VCF-style: chr2-48028044-G-A.
Other names: c.2532G>A, p.Arg844= (NM_001281492.2); c.2016G>A, p.Arg672= (NM_001281493.2, NM_001281494.2).
Identifiers: ClinVar variation 491921 (VCV000491921.6), dbSNP rs1553414289, ClinGen allele CA426122049.

ClinVar aggregate classification (germline): Benign/Likely benign. Review status: criteria provided, multiple submitters, no conflicts (2 of 4 stars). 3 submissions from 3 submitters: Benign (1); Likely benign (2). Last evaluated 2025-01-02.

Conditions:
Lynch syndrome 5 (LYNCH5). Also called: Colorectal cancer, hereditary nonpolyposis, type 5; Hereditary non-polyposis colorectal cancer, type 5. Identifiers: Orphanet 144, MedGen C1833477, MONDO:0013710, OMIM 614350. Disease mechanism: loss of function.
Hereditary cancer-predisposing syndrome. Also called: Hereditary neoplastic syndrome; Tumor predisposition; Hereditary Cancer Syndrome; Neoplastic Syndromes, Hereditary. Identifiers: Orphanet 140162, MedGen C0027672, MeSH D009386, MONDO:0015356.

Submissions (3):

Myriad Genetics, Inc.
Classification: Benign for Lynch syndrome 5. Last evaluated: 2025-01-02. Review status: criteria provided, single submitter. Criteria: Myriad Autosomal Dominant, Autosomal Recessive and X-Linked Classification Criteria (2023). Collection method: clinical testing. Allele origin: unknown.
Comment: This variant is considered benign. This variant is a silent/synonymous amino acid change and it is not expected to impact splicing.

Ambry Genetics
Classification: Likely benign for Hereditary cancer-predisposing syndrome. Last evaluated: 2023-08-31. Review status: criteria provided, single submitter. Criteria: Ambry Variant Classification Scheme 2023. Collection method: clinical testing. Allele origin: germline.

Color Diagnostics, LLC DBA Color Health
Classification: Likely benign for Hereditary cancer-predisposing syndrome. Last evaluated: 2017-07-21. Review status: criteria provided, single submitter. Criteria: ACMG Guidelines, 2015. Collection method: clinical testing. Allele origin: germline.